The following is an entry in ClinVar:

NM_017534.6(MYH2):c.1762G>T (p.Val588Phe)

Genes: MYH2 (myosin heavy chain 2; minus strand), MYHAS (myosin heavy chain gene cluster antisense RNA; plus strand). Cytogenetic location: 17p13.1.
Variant type: single nucleotide variant.
Coding change: c.1762G>T on transcript NM_017534.6 (MANE Select); coding-DNA position 1762, G replaced by T.
Protein change: p.Val588Phe; replaces valine 588 with phenylalanine.
Molecular consequence: missense variant.
Genome position (GRCh38, 1-based): chr17:10,537,368, C>A on the plus strand (G>T on the coding strand, the complement: MYH2 is on the minus strand). VCF-style: chr17-10537368-C-A. GRCh37 (hg19) VCF-style: chr17-10440685-C-A.
Other names: c.1762G>T, p.Val588Phe (NM_001100112.2); short protein forms V588F.
Identifiers: ClinVar variation 1307516 (VCV001307516.2), dbSNP rs1348155208, ClinGen allele CA398155384.

ClinVar aggregate classification (germline): Uncertain significance (1 of 4 stars; one submission).

Submission:

GeneDx
Classification: Uncertain significance. Last evaluated: 2019-08-01. Review status: criteria provided, single submitter. Criteria: GeneDx Variant Classification Process June 2021. Collection method: clinical testing. Allele origin: germline. Affected: yes.
Comment: Has not been previously published as pathogenic or benign to our knowledge; Not observed in large population cohorts (Lek et al., 2016); In silico analysis, which includes protein predictors and evolutionary conservation, supports that this variant does not alter protein structure/function